The following is an entry in ClinVar:

NM_138420.4(AHNAK2):c.855C>T (p.Tyr285=)

Gene: AHNAK2 (AHNAK nucleoprotein 2; minus strand). Cytogenetic location: 14q32.33.
Variant type: single nucleotide variant.
Coding change: c.855C>T on transcript NM_138420.4 (MANE Select); coding-DNA position 855, C replaced by T.
Protein change: p.Tyr285=; no amino-acid change (tyrosine 285 retained).
Molecular consequence: synonymous variant.
Genome position (GRCh38, 1-based): chr14:104,954,596, G>A on the plus strand (C>T on the coding strand, the complement: AHNAK2 is on the minus strand). VCF-style: chr14-104954596-G-A. GRCh37 (hg19) VCF-style: chr14-105420933-G-A.
Other names: c.555C>T, p.Tyr185= (NM_001350929.2).
Identifiers: ClinVar variation 2644893 (VCV002644893.24), dbSNP rs760787659, ClinGen allele CA7383940.
Genomic context (GRCh38, chr14:104,954,596, plus strand): 5'-CGTGAGCTGGGCCTCTGTGTCTGTGCTTGTAGGGGACACGTCATGTGCGTCCCTAGGTTC[G>A]TAGGCCTCTGACGAGCTGTGTGACCTCTGGGGTCCCGGCCCCCGCTTGCTCTTTATGGAT-3'
Protein context (NP_612429.2, residues 275-295): PQRSHSSSEA[Tyr285=]EPRDAHDVSP

ClinVar aggregate classification (germline): Likely benign (1 of 4 stars; one submission).

Allele frequency attached by ClinVar (database versions not stated): TOPMed 0.00001; ExAC 0.00002; gnomAD 0.00001; gnomAD exomes 0.00001.
gnomAD v4.1: 10 of 1,610,262 alleles (0.00062%); highest among the groups gnomAD compares: East Asian, 0.0022%; no homozygotes.

Submission:

CeGaT Center for Human Genetics Tuebingen
Classification: Likely benign. Last evaluated: 2022-06-01. Review status: criteria provided, single submitter. Criteria: CeGaT Center For Human Genetics Tuebingen Variant Classification Criteria Version 2. Collection method: clinical testing. Allele origin: germline. Affected: yes. Observed: 1 variant allele.
Comment: AHNAK2: BP4, BP7